The following is an entry in ClinVar:

NM_004972.4(JAK2):c.1117T>C (p.Tyr373His)

Genes: INSL6 (insulin like 6; minus strand), JAK2 (Janus kinase 2; plus strand). Cytogenetic location: 9p24.1.
Variant type: single nucleotide variant.
Coding change: c.1117T>C on transcript NM_004972.4 (MANE Select); coding-DNA position 1117, T replaced by C.
Protein change: p.Tyr373His; replaces tyrosine 373 with histidine.
Molecular consequence: missense variant. On other transcripts: 5 prime UTR variant (2), non-coding transcript variant (2).
Genome position (GRCh38, 1-based): chr9:5,064,943, T>C. VCF-style: chr9-5064943-T-C. GRCh37 (hg19) VCF-style: chr9-5064943-T-C.
Other names: c.1117T>C, p.Tyr373His (NM_001322194.2, NM_001322195.2, NM_001322196.2); c.-99T>C (NM_001322198.2, NM_001322199.2); c.670T>C, p.Tyr224His (NM_001322204.2); short protein forms Y224H, Y373H.
Identifiers: ClinVar variation 4693739 (VCV004693739.1).

ClinVar aggregate classification (germline): Uncertain significance (1 of 4 stars; one submission).

gnomAD v4.1: 3 of 1,605,486 alleles (0.00019%); highest among the groups gnomAD compares: African/African-American, 0.004%; no homozygotes.

Submission:

Labcorp Genetics (formerly Invitae), Labcorp
Classification: Uncertain significance. Last evaluated: 2026-01-30. Review status: criteria provided, single submitter. Criteria: Invitae Variant Classification Sherloc (09022015). Collection method: clinical testing. Allele origin: germline.
Comment: This sequence change replaces tyrosine, which is neutral and polar, with histidine, which is basic and polar, at codon 373 of the JAK2 protein (p.Tyr373His). The frequency data for this variant in the population databases is considered unreliable, as metrics indicate poor data quality at this position in the gnomAD database. This variant has not been reported in the literature in individuals affected with JAK2-related conditions. Invitae Evidence Modeling of protein sequence and biophysical properties (such as structural, functional, and spatial information, amino acid conservation, physicochemical variation, residue mobility, and thermodynamic stability) indicates that this missense variant is not expected to disrupt JAK2 protein function with a negative predictive value of 80%. In summary, the available evidence is currently insufficient to determine the role of this variant in disease. Therefore, it has been classified as a Variant of Uncertain Significance.